The following is an entry in ClinVar:

ClinVar aggregate classification (germline): Uncertain significance (1 of 4 stars; one submission).

Conditions:
Hereditary cancer-predisposing syndrome. Also called: Neoplastic Syndromes, Hereditary; Tumor predisposition; Hereditary Cancer Syndrome; Hereditary neoplastic syndrome. Identifiers: Orphanet 140162, MedGen C0027672, MeSH D009386, MONDO:0015356.

gnomAD v4.1: 1 of 1,614,220 alleles (0.000062%); highest among the groups gnomAD compares: Non-Finnish European, 0.000085%; no homozygotes.

Submission:

Ambry Genetics
Classification: Uncertain significance for Hereditary cancer-predisposing syndrome. Last evaluated: 2026-05-26. Review status: criteria provided, single submitter. Criteria: Ambry Variant Classification Scheme 2023. Collection method: clinical testing. Allele origin: germline.
Comment: The p.K929I variant (also known as c.2786A>T), located in coding exon 23 of the EGFR gene, results from an A to T substitution at nucleotide position 2786. The lysine at codon 929 is replaced by isoleucine, an amino acid with dissimilar properties. This amino acid position is highly conserved in available vertebrate species. In addition, this alteration is predicted to be deleterious by in silico analysis. Based on the available evidence, the clinical significance of this variant remains unclear.

NM_005228.5(EGFR):c.2786A>T (p.Lys929Ile)

Gene: EGFR (epidermal growth factor receptor; plus strand). Cytogenetic location: 7p11.2.
Variant type: single nucleotide variant.
Coding change: c.2786A>T on transcript NM_005228.5 (MANE Select); coding-DNA position 2786, A replaced by T.
Protein change: p.Lys929Ile; replaces lysine 929 with isoleucine.
Molecular consequence: missense variant.
Genome position (GRCh38, 1-based): chr7:55,198,801, A>T. VCF-style: chr7-55198801-A-T. GRCh37 (hg19) VCF-style: chr7-55266494-A-T.
Other names: c.2651A>T, p.Lys884Ile (NM_001346897.2, NM_001346899.2); c.2786A>T, p.Lys929Ile (NM_001346898.2); c.2627A>T, p.Lys876Ile (NM_001346900.2); c.1985A>T, p.Lys662Ile (NM_001346941.2); short protein forms K662I, K876I, K884I, K929I.
Identifiers: ClinVar variation 4870281 (VCV004870281.1).